The following is an entry in ClinVar:

ClinVar aggregate classification (germline): Likely pathogenic (1 of 4 stars; one submission).

Conditions:
Spermatogenic failure 23. Identifiers: MedGen C4540185, MONDO:0054727, OMIM 617707.

Submission:

Juno Genomics, Hangzhou Juno Genomics, Inc
Classification: Likely pathogenic for Spermatogenic failure 23. Review status: criteria provided, single submitter. Criteria: ACMG Guidelines, 2015. Collection method: clinical testing. Allele origin: germline.
Comment: Null variant in a gene where loss of function (LOF) is a known mechanism of disease.;Absent from controls (or at extremely low frequency if recessive) in Genome Aggregation Database.

NM_031272.5(TEX14):c.137-1G>A

Gene: TEX14 (testis expressed 14, intercellular bridge forming factor; minus strand). Cytogenetic location: 17q22.
Variant type: single nucleotide variant.
Coding change: c.137-1G>A on transcript NM_031272.5 (MANE Select); the canonical splice acceptor site of the intron before coding-DNA position 137, G replaced by A.
Molecular consequence: splice acceptor variant.
Genome position (GRCh38, 1-based): chr17:58,630,555, C>T on the plus strand (G>A on the coding strand, the complement: TEX14 is on the minus strand). VCF-style: chr17-58630555-C-T. GRCh37 (hg19) VCF-style: chr17-56707916-C-T.
Other names: c.137-1G>A (NM_198393.4, NM_001201457.2).
Identifiers: ClinVar variation 5005781 (VCV005005781.2).